The following is an entry in ClinVar:

NM_002764.4(PRPS1):c.914A>G (p.Asn305Ser)

Gene: PRPS1 (phosphoribosyl pyrophosphate synthetase 1; plus strand). Cytogenetic location: Xq22.3.
Variant type: single nucleotide variant.
Coding change: c.914A>G on transcript NM_002764.4 (MANE Select); coding-DNA position 914, A replaced by G.
Protein change: p.Asn305Ser; replaces asparagine 305 with serine.
Molecular consequence: missense variant.
Genome position (GRCh38, 1-based): chrX:107,649,989, A>G. VCF-style: chrX-107649989-A-G. GRCh37 (hg19) VCF-style: chrX-106893219-A-G.
Other names: c.302A>G, p.Asn101Ser (NM_001204402.2); short protein forms N101S, N305S.
Identifiers: ClinVar variation 3343741 (VCV003343741.1).
Genomic context (GRCh38, chrX:107,649,989, plus strand): 5'-TGCCTTTCTAGGTGATTGACATCTCTATGATCCTTGCAGAAGCCATCAGGAGAACTCACA[A>G]TGGAGAATCCGTTTCTTACCTATTCAGCCATGTCCCTTTATAATAGAGTAACTTCTGAGG-3'
Protein context (NP_002755.1, residues 295-315): ILAEAIRRTH[Asn305Ser]GESVSYLFSH

ClinVar aggregate classification (germline): Uncertain significance (1 of 4 stars; one submission).

Submission:

GeneDx
Classification: Uncertain significance. Last evaluated: 2023-05-19. Review status: criteria provided, single submitter. Criteria: GeneDx Variant Classification Process June 2021. Collection method: clinical testing. Allele origin: germline. Affected: yes.
Comment: Not observed at significant frequency in large population cohorts (gnomAD); In silico analysis supports that this missense variant has a deleterious effect on protein structure/function; Has not been previously published as pathogenic or benign to our knowledge